The following is an entry in ClinVar:

NM_007103.4(NDUFV1):c.950_951dup (p.Ile318Ter)

Gene: NDUFV1 (NADH:ubiquinone oxidoreductase core subunit V1; plus strand). Cytogenetic location: 11q13.2.
Variant type: Microsatellite.
Coding change: c.950_951dup on transcript NM_007103.4 (MANE Select); coding-DNA positions 950 to 951, 2 bases duplicated (TG; older notation c.950_951dupTG).
Protein change: p.Ile318Ter; replaces isoleucine 318 with a stop codon.
Molecular consequence: nonsense.
Genome position (GRCh38, 1-based): chr11:67,611,439-67,611,440, TG duplicated; duplicating any 2 consecutive bases within chr11:67,611,437-67,611,440 gives the same sequence; the c. name uses the placement nearest the transcript's 3' end. VCF-style (leftmost placement, unchanged base first): chr11-67611436-C-CTG. GRCh37 (hg19) VCF-style: chr11-67378907-C-CTG.
Other names: c.923_924dup, p.Ile309Ter (NM_001166102.2); short protein forms I318*, I309*.
Identifiers: ClinVar variation 2860312 (VCV002860312.3), dbSNP rs2495723842, ClinGen allele CA2614649143.

ClinVar aggregate classification (germline): Pathogenic (1 of 4 stars; one submission).

Submission:

Labcorp Genetics (formerly Invitae), Labcorp
Classification: Pathogenic. Last evaluated: 2023-04-28. Review status: criteria provided, single submitter. Criteria: Invitae Variant Classification Sherloc (09022015). Collection method: clinical testing. Allele origin: germline.
Comment: For these reasons, this variant has been classified as Pathogenic. This variant has not been reported in the literature in individuals affected with NDUFV1-related conditions. This variant is not present in population databases (gnomAD no frequency). This sequence change creates a premature translational stop signal (p.Ile318*) in the NDUFV1 gene. It is expected to result in an absent or disrupted protein product. Loss-of-function variants in NDUFV1 are known to be pathogenic (PMID: 10080174, 11349233).

Literature cited by the submitters: PubMed 10080174; PubMed 11349233.